The following is an entry in ClinVar:

NM_020693.4(DSCAML1):c.265C>G (p.Pro89Ala)

Gene: DSCAML1 (DS cell adhesion molecule like 1; minus strand). Cytogenetic location: 11q23.3.
Variant type: single nucleotide variant.
Coding change: c.265C>G on transcript NM_020693.4 (MANE Select); coding-DNA position 265, C replaced by G.
Protein change: p.Pro89Ala; replaces proline 89 with alanine.
Molecular consequence: missense variant. On other transcripts: 5 prime UTR variant (1).
Genome position (GRCh38, 1-based): chr11:117,780,592, G>C on the plus strand (C>G on the coding strand, the complement: DSCAML1 is on the minus strand). VCF-style: chr11-117780592-G-C. GRCh37 (hg19) VCF-style: chr11-117651307-G-C.
Other names: c.265C>G, p.Pro89Ala (NM_001367904.1); c.-144C>G (NM_001367905.1); c.445C>G (NM_020693.2); short protein forms P89A.
Identifiers: ClinVar variation 2958394 (VCV002958394.4), dbSNP rs2496836170, ClinGen allele CA382760712.

ClinVar aggregate classification (germline): Uncertain significance. Review status: criteria provided, multiple submitters, no conflicts (2 of 4 stars). 2 submissions from 2 submitters: Uncertain significance (2). Last evaluated 2025-10-29.

Allele frequency attached by ClinVar (database versions not stated): gnomAD exomes below 0.00001.
gnomAD v4.1: 3 of 1,584,758 alleles (0.00019%); highest among the groups gnomAD compares: Non-Finnish European, 0.00026%; no homozygotes.

Submissions (2):

Ambry Genetics
Classification: Uncertain significance. Last evaluated: 2025-10-29. Review status: criteria provided, single submitter. Criteria: Ambry Variant Classification Scheme 2023. Collection method: clinical testing. Allele origin: germline.

Labcorp Genetics (formerly Invitae), Labcorp
Classification: Uncertain significance. Last evaluated: 2025-05-28. Review status: criteria provided, single submitter. Criteria: Invitae Variant Classification Sherloc (09022015). Collection method: clinical testing. Allele origin: germline.
Comment: This sequence change replaces proline, which is neutral and non-polar, with alanine, which is neutral and non-polar, at codon 149 of the DSCAML1 protein (p.Pro149Ala). This variant is not present in population databases (gnomAD no frequency). This variant has not been reported in the literature in individuals affected with DSCAML1-related conditions. ClinVar contains an entry for this variant (Variation ID: 2958394). An algorithm developed to predict the effect of missense changes on protein structure and function (PolyPhen-2) suggests that this variant is likely to be disruptive. In summary, the available evidence is currently insufficient to determine the role of this variant in disease. Therefore, it has been classified as a Variant of Uncertain Significance.